The following is an entry in ClinVar:

ClinVar aggregate classification (germline): Uncertain significance (1 of 4 stars; one submission).

Conditions:
Amelocerebrohypohidrotic syndrome (KTZS). Also called: KOHLSCHUTTER SYNDROME; Kohlschutter's syndrome; EPILEPSY AND YELLOW TEETH; EPILEPSY, DEMENTIA, AND AMELOGENESIS IMPERFECTA. Identifiers: Orphanet 1946, MedGen C0406740, MONDO:0009185, OMIM 226750.

Allele frequency attached by ClinVar (database versions not stated): TOPMed below 0.00001; ExAC 0.00001; gnomAD 0.00001.
gnomAD v4.1: 10 of 1,609,094 alleles (0.00062%); highest among the groups gnomAD compares: Non-Finnish European, 0.00085%; no homozygotes.

Submission:

Labcorp Genetics (formerly Invitae), Labcorp
Classification: Uncertain significance for Amelocerebrohypohidrotic syndrome. Last evaluated: 2020-02-25. Review status: criteria provided, single submitter. Criteria: Invitae Variant Classification Sherloc (09022015). Collection method: clinical testing. Allele origin: germline.
Comment: This sequence change replaces lysine with arginine at codon 72 of the ROGDI protein (p.Lys72Arg). The lysine residue is highly conserved and there is a small physicochemical difference between lysine and arginine. The frequency data for this variant in the population databases is considered unreliable, as metrics indicate poor data quality at this position in the ExAC database. This variant has not been reported in the literature in individuals with ROGDI-related conditions. Algorithms developed to predict the effect of missense changes on protein structure and function (SIFT, PolyPhen-2, Align-GVGD) all suggest that this variant is likely to be disruptive, but these predictions have not been confirmed by published functional studies and their clinical significance is uncertain. Algorithms developed to predict the effect of sequence changes on RNA splicing suggest that this variant may create or strengthen a splice site, but this prediction has not been confirmed by published transcriptional studies. In summary, the available evidence is currently insufficient to determine the role of this variant in disease. Therefore, it has been classified as a Variant of Uncertain Significance.

NM_024589.3(ROGDI):c.215A>G (p.Lys72Arg)

Gene: ROGDI (rogdi atypical leucine zipper; minus strand). Cytogenetic location: 16p13.3.
Variant type: single nucleotide variant.
Coding change: c.215A>G on transcript NM_024589.3 (MANE Select); coding-DNA position 215, A replaced by G.
Protein change: p.Lys72Arg; replaces lysine 72 with arginine.
Molecular consequence: missense variant.
Genome position (GRCh38, 1-based): chr16:4,801,307, T>C on the plus strand (A>G on the coding strand, the complement: ROGDI is on the minus strand). VCF-style: chr16-4801307-T-C. GRCh37 (hg19) VCF-style: chr16-4851308-T-C.
Other names: short protein forms K72R.
Identifiers: ClinVar variation 1006634 (VCV001006634.9), dbSNP rs779096456, ClinGen allele CA7882894.
Genomic context (GRCh38, chr16:4,801,307, plus strand): 5'-GACAGGGCCGGGGGACTCACCGCCTGGCTGAGGGCATCCCCCTGCAGAGTCAGCACACCC[T>C]TCACCTGGTCTGTGCTGTAACATGTGGCGTCAGAGCGGTGCCTGTGGTCACCCCCCCACC-3'
Protein context (NP_078865.1, residues 62-82): ILGSCGTDQV[Lys72Arg]GVLTLQGDAL